The following is an entry in ClinVar:

NM_000465.4(BARD1):c.2215T>G (p.Tyr739Asp)

Gene: BARD1 (BRCA1 associated RING domain 1; minus strand). Cytogenetic location: 2q35.
Variant type: single nucleotide variant.
Coding change: c.2215T>G on transcript NM_000465.4 (MANE Select); coding-DNA position 2215, T replaced by G.
Protein change: p.Tyr739Asp; replaces tyrosine 739 with aspartic acid.
Molecular consequence: missense variant. On other transcripts: non-coding transcript variant (3).
Genome position (GRCh38, 1-based): chr2:214,728,795, A>C on the plus strand (T>G on the coding strand, the complement: BARD1 is on the minus strand). VCF-style: chr2-214728795-A-C. GRCh37 (hg19) VCF-style: chr2-215593519-A-C.
Other names: c.2158T>G, p.Tyr720Asp (NM_001282543.2); c.862T>G, p.Tyr288Asp (NM_001282545.2); c.805T>G, p.Tyr269Asp (NM_001282548.2); c.676T>G, p.Tyr226Asp (NM_001282549.2); short protein forms Y739D, Y226D, Y269D, Y288D, Y720D.
Identifiers: ClinVar variation 233941 (VCV000233941.15), dbSNP rs876660746, ClinGen allele CA10577762.

ClinVar aggregate classification (germline): Uncertain significance. Review status: criteria provided, multiple submitters, no conflicts (2 of 4 stars). 2 submissions from 2 submitters: Uncertain significance (2). Last evaluated 2025-06-03.

Conditions:
Hereditary cancer-predisposing syndrome. Also called: Neoplastic Syndromes, Hereditary; Tumor predisposition; Hereditary Cancer Syndrome; Hereditary neoplastic syndrome. Identifiers: Orphanet 140162, MedGen C0027672, MeSH D009386, MONDO:0015356.
Familial cancer of breast. Also called: BREAST CANCER, FAMILIAL; hereditary breast carcinoma; Hereditary breast cancer. Identifiers: Orphanet 227535, MedGen C0346153, MONDO:0016419, OMIM 114480. Disease mechanism: loss of function.

Submissions (2):

Labcorp Genetics (formerly Invitae), Labcorp
Classification: Uncertain significance for Familial cancer of breast. Last evaluated: 2025-06-03. Review status: criteria provided, single submitter. Criteria: Invitae Variant Classification Sherloc (09022015). Collection method: clinical testing. Allele origin: germline.
Comment: This sequence change replaces tyrosine, which is neutral and polar, with aspartic acid, which is acidic and polar, at codon 739 of the BARD1 protein (p.Tyr739Asp). This variant is not present in population databases (gnomAD no frequency). This variant has not been reported in the literature in individuals affected with BARD1-related conditions. ClinVar contains an entry for this variant (Variation ID: 233941). An algorithm developed to predict the effect of missense changes on protein structure and function (PolyPhen-2) suggests that this variant is likely to be disruptive. In summary, the available evidence is currently insufficient to determine the role of this variant in disease. Therefore, it has been classified as a Variant of Uncertain Significance.

Ambry Genetics
Classification: Uncertain significance for Hereditary cancer-predisposing syndrome. Last evaluated: 2024-07-14. Review status: criteria provided, single submitter. Criteria: Ambry Variant Classification Scheme 2023. Collection method: clinical testing. Allele origin: germline.